The following is an entry in ClinVar:

ClinVar aggregate classification (germline): Benign/Likely benign. Review status: criteria provided, multiple submitters, no conflicts (2 of 4 stars). 3 submissions from 3 submitters: Benign (1); Likely benign (1). 1 of the submissions does not count toward it. Last evaluated 2026-01-26.

Conditions:
FOCAD-related disorder. Also called: FOCAD-related condition.

Allele frequency attached by ClinVar (database versions not stated): ExAC 0.00124; 1000 Genomes Project 30x 0.00297; 1000 Genomes Project 0.00300; gnomAD 0.00379; ESP Exome Variant Server 0.00446.
gnomAD v4.1: 1,152 of 1,613,914 alleles (0.071%); highest among the groups gnomAD compares: African/African-American, 1.4%; 5 homozygotes.

Submissions (3):

Labcorp Genetics (formerly Invitae), Labcorp
Classification: Benign. Last evaluated: 2026-01-26. Review status: criteria provided, single submitter. Criteria: Invitae Variant Classification Sherloc (09022015). Collection method: clinical testing. Allele origin: germline.

CeGaT Center for Human Genetics Tuebingen
Classification: Likely benign. Last evaluated: 2025-08-01. Review status: criteria provided, single submitter. Criteria: CeGaT Center For Human Genetics Tuebingen Variant Classification Criteria Version 2. Collection method: clinical testing. Allele origin: germline. Affected: yes. Observed: 1 variant allele.
Comment: FOCAD: BP4, BS1

PreventionGenetics, part of Exact Sciences
Classification: Benign for FOCAD-related condition. Last evaluated: 2020-02-24. Review status: no assertion criteria provided. Collection method: clinical testing. Allele origin: germline. Not counted in ClinVar's aggregate classification.
Comment: This variant is classified as benign based on ACMG/AMP sequence variant interpretation guidelines (Richards et al. 2015 PMID: 25741868, with internal and published modifications).

NM_001375567.1(FOCAD):c.3433C>G (p.Leu1145Val)

Gene: FOCAD (focadhesin; plus strand). Cytogenetic location: 9p21.3.
Variant type: single nucleotide variant.
Coding change: c.3433C>G on transcript NM_001375567.1 (MANE Select); coding-DNA position 3433, C replaced by G.
Protein change: p.Leu1145Val; replaces leucine 1145 with valine.
Molecular consequence: missense variant.
Genome position (GRCh38, 1-based): chr9:20,944,652, C>G. VCF-style: chr9-20944652-C-G. GRCh37 (hg19) VCF-style: chr9-20944651-C-G.
Other names: c.3433C>G (NM_017794.4); c.3328C>G, p.Leu1110Val (NM_001375568.1, NM_001375570.1); c.3433C>G, p.Leu1145Val (NM_017794.5); short protein forms L1145V, L1110V.
Identifiers: ClinVar variation 2786891 (VCV002786891.13), dbSNP rs146592449, ClinGen allele CA5007553.